The following is an entry in ClinVar:

ClinVar aggregate classification (germline): Uncertain significance (1 of 4 stars; one submission).

Submission:

Labcorp Genetics (formerly Invitae), Labcorp
Classification: Uncertain significance. Last evaluated: 2025-05-19. Review status: criteria provided, single submitter. Criteria: Invitae Variant Classification Sherloc (09022015). Collection method: clinical testing. Allele origin: germline.
Comment: This sequence change replaces proline, which is neutral and non-polar, with alanine, which is neutral and non-polar, at codon 700 of the ALPK3 protein (p.Pro700Ala). This variant is not present in population databases (gnomAD no frequency). This variant has not been reported in the literature in individuals affected with ALPK3-related conditions. An algorithm developed to predict the effect of missense changes on protein structure and function (PolyPhen-2) suggests that this variant is likely to be tolerated. In summary, the available evidence is currently insufficient to determine the role of this variant in disease. Therefore, it has been classified as a Variant of Uncertain Significance.

NM_020778.5(ALPK3):c.1492C>G (p.Pro498Ala)

Genes: ALPK3 (alpha kinase 3; plus strand), LOC111718493 (skeletal muscle cis-regulatory module overlapping ALPK3; plus strand). Cytogenetic location: 15q25.3.
Variant type: single nucleotide variant.
Coding change: c.1492C>G on transcript NM_020778.5 (MANE Select); coding-DNA position 1492, C replaced by G.
Protein change: p.Pro498Ala; replaces proline 498 with alanine.
Molecular consequence: missense variant.
Genome position (GRCh38, 1-based): chr15:84,840,771, C>G. VCF-style: chr15-84840771-C-G. GRCh37 (hg19) VCF-style: chr15-85384002-C-G.
Other names: short protein forms P498A.
Identifiers: ClinVar variation 4719416 (VCV004719416.1).